The following is an entry in ClinVar:

ClinVar aggregate classification (germline): Conflicting classifications of pathogenicity. Review status: criteria provided, conflicting classifications (1 of 4 stars). 2 submissions from 2 submitters: Uncertain significance (1); Likely benign (1). Last evaluated 2025-06-10.

Conditions:
Candidiasis, familial, 6 (CANDF6). Also called: Candidiasis, familial, 6, autosomal dominant. Identifiers: Orphanet 1334, MedGen C3151405, MONDO:0013503, OMIM 613956.

Allele frequency attached by ClinVar (database versions not stated): ExAC 0.00004; gnomAD 0.00005; TOPMed 0.00005; gnomAD exomes 0.00006; 1000 Genomes Project 30x 0.00016; 1000 Genomes Project 0.00020.
gnomAD v4.1: 92 of 1,614,070 alleles (0.0057%); highest among the groups gnomAD compares: Admixed American, 0.012%; 1 homozygote.

Submissions (2):

Ambry Genetics
Classification: Likely benign. Last evaluated: 2025-06-10. Review status: criteria provided, single submitter. Criteria: Ambry Variant Classification Scheme 2023. Collection method: clinical testing. Allele origin: germline.

Labcorp Genetics (formerly Invitae), Labcorp
Classification: Uncertain significance for Candidiasis, familial, 6. Last evaluated: 2024-10-16. Review status: criteria provided, single submitter. Criteria: Invitae Variant Classification Sherloc (09022015). Collection method: clinical testing. Allele origin: germline.
Comment: This sequence change replaces valine, which is neutral and non-polar, with isoleucine, which is neutral and non-polar, at codon 68 of the IL17F protein (p.Val68Ile). This variant is present in population databases (rs569473195, gnomAD 0.02%). This variant has not been reported in the literature in individuals affected with IL17F-related conditions. ClinVar contains an entry for this variant (Variation ID: 2084727). An algorithm developed to predict the effect of missense changes on protein structure and function outputs the following: PolyPhen-2: "Benign". The isoleucine amino acid residue is found in multiple mammalian species, which suggests that this missense change does not adversely affect protein function. In summary, the available evidence is currently insufficient to determine the role of this variant in disease. Therefore, it has been classified as a Variant of Uncertain Significance.

NM_052872.4(IL17F):c.202G>A (p.Val68Ile)

Gene: IL17F (interleukin 17F; minus strand). Cytogenetic location: 6p12.2.
Variant type: single nucleotide variant.
Coding change: c.202G>A on transcript NM_052872.4 (MANE Select); coding-DNA position 202, G replaced by A.
Protein change: p.Val68Ile; replaces valine 68 with isoleucine.
Molecular consequence: missense variant.
Genome position (GRCh38, 1-based): chr6:52,238,782, C>T on the plus strand (G>A on the coding strand, the complement: IL17F is on the minus strand). VCF-style: chr6-52238782-C-T. GRCh37 (hg19) VCF-style: chr6-52103580-C-T.
Other names: short protein forms V68I.
Identifiers: ClinVar variation 2084727 (VCV002084727.4), dbSNP rs569473195, ClinGen allele CA3854426.
Genomic context (GRCh38, chr6:52,238,782, plus strand): 5'-GCACTTACGTGTAATTCCAGGGGGAGGTGGAGCGGCTCTCGATGTTACGTGACATGGAAA[C>T]GCGCTGGTTTTCATTGATGATGCCAATGTCAAGCTTCATACTACCTCCTGGCACAGGCGG-3'
Protein context (NP_443104.1, residues 58-78): DIGIINENQR[Val68Ile]SMSRNIESRS